The following is an entry in ClinVar:

NM_006393.3(NEBL):c.901G>A (p.Gly301Ser)

Gene: NEBL (nebulette; minus strand). Cytogenetic location: 10p12.31.
Variant type: single nucleotide variant.
Coding change: c.901G>A on transcript NM_006393.3 (MANE Select); coding-DNA position 901, G replaced by A.
Protein change: p.Gly301Ser; replaces glycine 301 with serine.
Molecular consequence: missense variant. On other transcripts: intron variant (9).
Genome position (GRCh38, 1-based): chr10:20,858,242, C>T on the plus strand (G>A on the coding strand, the complement: NEBL is on the minus strand). VCF-style: chr10-20858242-C-T. GRCh37 (hg19) VCF-style: chr10-21147171-C-T.
Other names: c.250-45302G>A (NM_001377326.1, NM_001377327.1, NM_001377328.1); c.358-45302G>A (NM_213569.2, NM_001173484.2, NM_001377322.1); c.301-45302G>A (NM_001377324.1); c.292-45302G>A (NM_001377325.1); c.310-45302G>A (NM_001377323.1); short protein forms G301S.
Identifiers: ClinVar variation 520255 (VCV000520255.12), dbSNP rs773469997, ClinGen allele CA5433069.

ClinVar aggregate classification (germline): Uncertain significance. Review status: criteria provided, multiple submitters, no conflicts (2 of 4 stars). 2 submissions from 2 submitters: Uncertain significance (2). Last evaluated 2022-09-27.

Conditions:
Primary dilated cardiomyopathy (DCM). Also called: Dilated Cardiomyopathy. Identifiers: Orphanet 217604, MedGen C0007193, MeSH D002311, MONDO:0005021, HP:0001644. Inheritance: Various modes of inheritance.
Cardiovascular phenotype. Identifiers: MedGen CN230736.

Allele frequency attached by ClinVar (database versions not stated): TOPMed 0.00002; gnomAD exomes 0.00005 and 0.00001; gnomAD 0.00001; ExAC 0.00002.
gnomAD v4.1: 24 of 1,598,182 alleles (0.0015%); highest among the groups gnomAD compares: Middle Eastern, 0.017%; no homozygotes.

Submissions (2):

Labcorp Genetics (formerly Invitae), Labcorp
Classification: Uncertain significance for Primary dilated cardiomyopathy. Last evaluated: 2022-09-27. Review status: criteria provided, single submitter. Criteria: Invitae Variant Classification Sherloc (09022015). Collection method: clinical testing. Allele origin: germline.
Comment: In summary, the available evidence is currently insufficient to determine the role of this variant in disease. Therefore, it has been classified as a Variant of Uncertain Significance. Algorithms developed to predict the effect of sequence changes on RNA splicing suggest that this variant may create or strengthen a splice site. Algorithms developed to predict the effect of missense changes on protein structure and function (SIFT, PolyPhen-2, Align-GVGD) all suggest that this variant is likely to be tolerated. ClinVar contains an entry for this variant (Variation ID: 520255). This variant has not been reported in the literature in individuals affected with NEBL-related conditions. This variant is present in population databases (rs773469997, gnomAD 0.02%). This sequence change replaces glycine, which is neutral and non-polar, with serine, which is neutral and polar, at codon 301 of the NEBL protein (p.Gly301Ser).

Ambry Genetics
Classification: Uncertain significance for Cardiovascular phenotype. Last evaluated: 2013-02-11. Review status: criteria provided, single submitter. Criteria: Ambry Autosomal Dominant and X-Linked criteria (10/2015). Collection method: clinical testing. Allele origin: germline. Observed: 1 variant allele.
Comment: There is insufficient or conflicting evidence for classification of this alteration.